The following is an entry in ClinVar:

ClinVar aggregate classification (germline): Uncertain significance (1 of 4 stars; one submission).

Conditions:
Inborn genetic diseases. Identifiers: MedGen C0950123, MeSH D030342.

Submission:

Ambry Genetics
Classification: Uncertain significance for Inborn genetic diseases. Last evaluated: 2025-08-24. Review status: criteria provided, single submitter. Criteria: Ambry Variant Classification Scheme 2023. Collection method: clinical testing. Allele origin: germline.
Comment: The p.S314T variant (also known as c.941G>C), located in coding exon 9 of the ANKRD26 gene, results from a G to C substitution at nucleotide position 941. The serine at codon 314 is replaced by threonine, an amino acid with similar properties. This amino acid position is conserved. In addition, this alteration is predicted to be tolerated by in silico analysis. Based on the available evidence, the clinical significance of this variant remains unclear.

NM_014915.3(ANKRD26):c.941G>C (p.Ser314Thr)

Gene: ANKRD26 (ankyrin repeat domain containing 26; minus strand). Cytogenetic location: 10p12.1.
Variant type: single nucleotide variant.
Coding change: c.941G>C on transcript NM_014915.3 (MANE Select); coding-DNA position 941, G replaced by C.
Protein change: p.Ser314Thr; replaces serine 314 with threonine.
Molecular consequence: missense variant.
Genome position (GRCh38, 1-based): chr10:27,077,474, C>G on the plus strand (G>C on the coding strand, the complement: ANKRD26 is on the minus strand). VCF-style: chr10-27077474-C-G. GRCh37 (hg19) VCF-style: chr10-27366403-C-G.
Other names: c.941G>C, p.Ser314Thr (NM_001256053.2); short protein forms S314T.
Identifiers: ClinVar variation 4104466 (VCV004104466.1).